The following is an entry in ClinVar:

ClinVar aggregate classification (germline): Likely benign. Review status: criteria provided, multiple submitters, no conflicts (2 of 4 stars). 10 submissions from 10 submitters: Likely benign (6). 4 of the submissions do not count toward it. Last evaluated 2025-12-14.

Conditions:
Cardiovascular phenotype. Identifiers: MedGen CN230736.
Catecholaminergic polymorphic ventricular tachycardia (CVPT). Also called: Catecholamine-induced polymorphic ventricular tachycardia. Identifiers: Orphanet 3286, MedGen C5574922, MONDO:0017990.
Catecholaminergic polymorphic ventricular tachycardia 1. Also called: VENTRICULAR TACHYCARDIA, CATECHOLAMINERGIC POLYMORPHIC, 1, WITH OR WITHOUT ATRIAL DYSFUNCTION AND/OR DILATED CARDIOMYOPATHY; RYR2-Related Catecholaminergic Polymorphic Ventricular Tachycardia; VENTRICULAR TACHYCARDIA, STRESS-INDUCED POLYMORPHIC 1. Identifiers: Orphanet 3286, MedGen C1631597, MONDO:0011484, OMIM 604772.
Cardiomyopathy (CMYO). Also called: Cardiomyopathies. Identifiers: Orphanet 167848, MedGen C0878544, MONDO:0004994, HP:0001638. Inheritance: Various modes of inheritance.

Allele frequency attached by ClinVar (database versions not stated): TOPMed 0.00006.
gnomAD v4.1: 102 of 1,613,426 alleles (0.0063%); highest among the groups gnomAD compares: South Asian, 0.023%; no homozygotes.

Submissions (10):

Labcorp Genetics (formerly Invitae), Labcorp
Classification: Likely benign for Catecholaminergic polymorphic ventricular tachycardia 1. Last evaluated: 2025-12-14. Review status: criteria provided, single submitter. Criteria: Invitae Variant Classification Sherloc (09022015). Collection method: clinical testing. Allele origin: germline.

All of Us Research Program, National Institutes of Health
Classification: Likely benign for Catecholaminergic polymorphic ventricular tachycardia. Last evaluated: 2023-12-13. Review status: criteria provided, single submitter. Criteria: ACMG Guidelines, 2015. Collection method: clinical testing. Allele origin: germline. Inheritance: Autosomal dominant inheritance. Observed: 15 variant alleles, 15 heterozygotes.
Comment: This study involves interpretation of variants in research participants for the purpose of population health screening. Participant phenotype was not available at the time of variant classification. Additional details can be found in publication PMID: 35346344, PMCID: PMC8962531

Blueprint Genetics
Classification: Likely benign. Last evaluated: 2023-09-22. Review status: criteria provided, single submitter. Criteria: ACMG Guidelines, 2015. Collection method: clinical testing. Allele origin: germline.

GeneDx
Classification: Likely benign. Last evaluated: 2021-02-22. Review status: criteria provided, single submitter. Criteria: GeneDx Variant Classification Process June 2021. Collection method: clinical testing. Allele origin: germline. Affected: yes.

Ambry Genetics
Classification: Likely benign for Cardiovascular phenotype. Last evaluated: 2019-05-29. Review status: criteria provided, single submitter. Criteria: Ambry Variant Classification Scheme 2023. Collection method: clinical testing. Allele origin: germline.

Color Diagnostics, LLC DBA Color Health
Classification: Likely benign for Cardiomyopathy. Last evaluated: 2019-02-08. Review status: criteria provided, single submitter. Criteria: ACMG Guidelines, 2015. Collection method: clinical testing. Allele origin: germline.

Clinical Genetics DNA and cytogenetics Diagnostics Lab, Erasmus MC, Erasmus Medical Center
Classification: Likely benign. Review status: no assertion criteria provided. Collection method: clinical testing. Allele origin: germline. Affected: yes. Study: VKGL Data-share Consensus. Not counted in ClinVar's aggregate classification.

Clinical Genetics, Academic Medical Center
Classification: Benign. Review status: no assertion criteria provided. Collection method: clinical testing. Allele origin: germline. Affected: yes. Study: VKGL Data-share Consensus. Not counted in ClinVar's aggregate classification.

Genome Diagnostics Laboratory, University Medical Center Utrecht
Classification: Likely benign. Review status: no assertion criteria provided. Collection method: clinical testing. Allele origin: germline. Affected: yes. Study: VKGL Data-share Consensus. Not counted in ClinVar's aggregate classification.

Joint Genome Diagnostic Labs from Nijmegen and Maastricht, Radboudumc and MUMC+
Classification: Likely benign. Review status: no assertion criteria provided. Collection method: clinical testing. Allele origin: germline. Affected: yes. Study: VKGL Data-share Consensus. Not counted in ClinVar's aggregate classification.

NM_001035.3(RYR2):c.1395C>A (p.Pro465=)

Gene: RYR2 (ryanodine receptor 2; plus strand). Cytogenetic location: 1q43.
Variant type: single nucleotide variant.
Coding change: c.1395C>A on transcript NM_001035.3 (MANE Select); coding-DNA position 1395, C replaced by A.
Protein change: p.Pro465=; no amino-acid change (proline 465 retained).
Molecular consequence: synonymous variant.
Genome position (GRCh38, 1-based): chr1:237,454,493, C>A. VCF-style: chr1-237454493-C-A. GRCh37 (hg19) VCF-style: chr1-237617793-C-A.
Other names: c.1395C>A, p.Pro465= (LRG_402t1).
Identifiers: ClinVar variation 463573 (VCV000463573.26), dbSNP rs111990043, ClinGen allele CA085540.